The following is an entry in ClinVar:

ClinVar aggregate classification (germline): Pathogenic (1 of 4 stars; one submission).

Submission:

Quest Diagnostics Nichols Institute San Juan Capistrano
Classification: Pathogenic. Last evaluated: 2024-11-11. Review status: criteria provided, single submitter. Criteria: ACMG/ClinGen CNV Guidelines, 2019. Collection method: clinical testing. Allele origin: unknown.
Comment: This deletion involves 3 protein-coding genes, including at least exons 1-6 (NM_000535.7) of PMS2 gene (OMIM 600259). Haploinsufficiency of PMS2 is associated with autosomal dominant Lynch syndrome 4 (OMIM 614337). Deletions involving the 5' portion of PMS2 gene have been reported in individuals with colorectal cancer (Nowak 2017, Vaughn 2010, Senter 2008, Hampel 2008). Thus, this CNV is classified as pathogenic. References: Hampel et al., J Clin Oncol. 2008 Dec 10;26(35):5783-8. PMID: 18809606 Nowak et al., J Mol Diagn. 2017 Jan;19(1):84-91. PMID: 27863258 Senter et al., Gastroenterology. 2008 Aug;135(2):419-28. PMID: 18602922 Vaughn et al., Hum Mutat. 2010 May;31(5):588-93. PMID: 20205264

GRCh37/hg19 7p22.1(chr7:6037641-6069165)x1

Genes: AIMP2 (aminoacyl tRNA synthetase complex interacting multifunctional protein 2; plus strand), EIF2AK1 (eukaryotic translation initiation factor 2 alpha kinase 1; minus strand), PMS2 (PMS1 homolog 2, mismatch repair system component; minus strand). Cytogenetic location: 7p22.1.
Variant type: copy number loss.
Change: copy number 1 (one copy instead of two) of chr7:6,037,641-6,069,165 (31.5 kb, GRCh37 coordinates, 1-based), cytogenetic band 7p22.1.
Identifiers: ClinVar variation 4682690 (VCV004682690.1).